The following is an entry in ClinVar:

ClinVar aggregate classification (germline): Uncertain significance (1 of 4 stars; one submission).

gnomAD v4.1: 1 of 1,607,586 alleles (0.000062%); highest among the groups gnomAD compares: Non-Finnish European, 0.000085%; no homozygotes.

Submission:

GeneDx
Classification: Uncertain significance. Last evaluated: 2025-06-12. Review status: criteria provided, single submitter. Criteria: GeneDx Variant Classification Process June 2021. Collection method: clinical testing. Allele origin: germline. Affected: yes.
Comment: Not observed at significant frequency in large population cohorts (gnomAD); In silico analysis supports that this missense variant has a deleterious effect on protein structure/function; Has not been previously published as pathogenic or benign to our knowledge

NM_000256.3(MYBPC3):c.2569C>A (p.Pro857Thr)

Gene: MYBPC3 (myosin binding protein C3; minus strand). Cytogenetic location: 11p11.2.
Variant type: single nucleotide variant.
Coding change: c.2569C>A on transcript NM_000256.3 (MANE Select); coding-DNA position 2569, C replaced by A.
Protein change: p.Pro857Thr; replaces proline 857 with threonine.
Molecular consequence: missense variant.
Genome position (GRCh38, 1-based): chr11:47,337,424, G>T on the plus strand (C>A on the coding strand, the complement: MYBPC3 is on the minus strand). VCF-style: chr11-47337424-G-T. GRCh37 (hg19) VCF-style: chr11-47358975-G-T.
Other names: short protein forms P857T.
Identifiers: ClinVar variation 4537755 (VCV004537755.1).